The following is an entry in ClinVar:

ClinVar aggregate classification (germline): Benign. Review status: criteria provided, multiple submitters, no conflicts (2 of 4 stars). 2 submissions from 2 submitters: Benign (2). Last evaluated 2018-06-16.

Allele frequency attached by ClinVar (database versions not stated): 1000 Genomes Project 0.02177; gnomAD 0.02282 and 0.02475; 1000 Genomes Project 30x 0.02389; TOPMed 0.02678.
gnomAD v4.1: 5,260 of 843,288 alleles (0.62%); highest among the groups gnomAD compares: African/African-American, 7.8%; 167 homozygotes.

Submissions (2):

GeneDx
Classification: Benign. Last evaluated: 2018-06-16. Review status: criteria provided, single submitter. Criteria: GeneDx Variant Classification (06012015). Collection method: clinical testing. Allele origin: germline. Affected: yes.
Comment: This variant is considered likely benign or benign based on one or more of the following criteria: it is a conservative change, it occurs at a poorly conserved position in the protein, it is predicted to be benign by multiple in silico algorithms, and/or has population frequency not consistent with disease.

Breakthrough Genomics
Classification: Benign. Review status: criteria provided, single submitter. Criteria: ACMG Guidelines, 2015. Collection method: not provided. Allele origin: germline. Inheritance: Autosomal recessive inheritance. Affected: yes.

NM_016360.4(TACO1):c.516-132A>G

Gene: TACO1 (translational activator of cytochrome c oxidase I; plus strand). Cytogenetic location: 17q23.3.
Variant type: single nucleotide variant.
Coding change: c.516-132A>G on transcript NM_016360.4 (MANE Select); 132 bases into the intron before coding-DNA position 516, A replaced by G.
Molecular consequence: intron variant.
Genome position (GRCh38, 1-based): chr17:63,607,155, A>G. VCF-style: chr17-63607155-A-G. GRCh37 (hg19) VCF-style: chr17-61684515-A-G.
Identifiers: ClinVar variation 676774 (VCV000676774.2), dbSNP rs73333834, ClinGen allele CA292909094.